The following is an entry in ClinVar:

ClinVar aggregate classification (germline): Uncertain significance. Review status: criteria provided, multiple submitters, no conflicts (2 of 4 stars). 3 submissions from 3 submitters: Uncertain significance (3). Last evaluated 2025-10-29.

Conditions:
Intellectual developmental disorder, autosomal dominant 3. Also called: Intellectual disability, autosomal dominant 3. Identifiers: MedGen C2675488, MONDO:0012946, OMIM 612580.

Submissions (3):

Greenwood Genetic Center Diagnostic Laboratories, Greenwood Genetic Center
Classification: Uncertain significance. Last evaluated: 2025-10-29. Review status: criteria provided, single submitter. Criteria: ACMG Guidelines, 2015. Collection method: clinical testing. Allele origin: germline. Affected: yes.
Comment: PM2

CeGaT Center for Human Genetics Tuebingen
Classification: Uncertain significance. Last evaluated: 2023-08-01. Review status: criteria provided, single submitter. Criteria: CeGaT Center For Human Genetics Tuebingen Variant Classification Criteria Version 2. Collection method: clinical testing. Allele origin: germline. Affected: yes. Observed: 1 variant allele.
Comment: CDH15: PM2, BP4

Baylor Genetics
Classification: Uncertain significance for Intellectual developmental disorder, autosomal dominant 3. Last evaluated: 2019-08-15. Review status: criteria provided, single submitter. Criteria: ACMG Guidelines, 2015. Collection method: clinical testing. Allele origin: unknown. Affected: yes.
Comment: This variant was determined to be of uncertain significance according to ACMG Guidelines, 2015 [PMID:25741868].

NM_004933.3(CDH15):c.1039C>T (p.Pro347Ser)

Gene: CDH15 (cadherin 15; plus strand). Cytogenetic location: 16q24.3.
Variant type: single nucleotide variant.
Coding change: c.1039C>T on transcript NM_004933.3 (MANE Select); coding-DNA position 1039, C replaced by T.
Protein change: p.Pro347Ser; replaces proline 347 with serine.
Molecular consequence: missense variant.
Genome position (GRCh38, 1-based): chr16:89,190,303, C>T. VCF-style: chr16-89190303-C-T. GRCh37 (hg19) VCF-style: chr16-89256711-C-T.
Other names: short protein forms P347S.
Identifiers: ClinVar variation 1028309 (VCV001028309.26), dbSNP rs1399460063, ClinGen allele CA397139534.